The following is an entry in ClinVar:

NM_014991.6(WDFY3):c.4478C>G (p.Pro1493Arg)

Gene: WDFY3 (WD repeat and FYVE domain containing 3; minus strand). Cytogenetic location: 4q21.23.
Variant type: single nucleotide variant.
Coding change: c.4478C>G on transcript NM_014991.6 (MANE Select); coding-DNA position 4478, C replaced by G.
Protein change: p.Pro1493Arg; replaces proline 1493 with arginine.
Molecular consequence: missense variant.
Genome position (GRCh38, 1-based): chr4:84,778,543, G>C on the plus strand (C>G on the coding strand, the complement: WDFY3 is on the minus strand). VCF-style: chr4-84778543-G-C. GRCh37 (hg19) VCF-style: chr4-85699696-G-C.
Other names: short protein forms P1493R.
Identifiers: ClinVar variation 1254574 (VCV001254574.2), dbSNP rs2149468683, ClinGen allele CA357548581.

ClinVar aggregate classification (germline): Uncertain significance (1 of 4 stars; one submission).

Submission:

GeneDx
Classification: Uncertain significance. Last evaluated: 2021-02-05. Review status: criteria provided, single submitter. Criteria: GeneDx Variant Classification Process June 2021. Collection method: clinical testing. Allele origin: germline. Affected: yes.
Comment: Not observed in large population cohorts (Lek et al., 2016); In silico analysis supports that this missense variant has a deleterious effect on protein structure/function; Has not been previously published as pathogenic or benign to our knowledge